The following is an entry in ClinVar:

ClinVar aggregate classification (germline): Likely pathogenic (1 of 4 stars; one submission).

Conditions:
Hermansky-Pudlak syndrome 2 (HPS2). Also called: Platelet defects and oculocutaneous albinism. Identifiers: Orphanet 183678, Orphanet 79430, MedGen C1842362, MONDO:0011997, OMIM 608233.

gnomAD v4.1: 1 of 1,613,914 alleles (0.000062%); no homozygotes.

Submission:

Labcorp Genetics (formerly Invitae), Labcorp
Classification: Likely pathogenic for Hermansky-Pudlak syndrome 2. Last evaluated: 2023-07-12. Review status: criteria provided, single submitter. Criteria: Invitae Variant Classification Sherloc (09022015). Collection method: clinical testing. Allele origin: germline.
Comment: In summary, the currently available evidence indicates that the variant is pathogenic, but additional data are needed to prove that conclusively. Therefore, this variant has been classified as Likely Pathogenic. Algorithms developed to predict the effect of sequence changes on RNA splicing suggest that this variant may disrupt the consensus splice site. This variant has not been reported in the literature in individuals affected with AP3B1-related conditions. This variant is not present in population databases (gnomAD no frequency). This sequence change affects a donor splice site in intron 7 of the AP3B1 gene. It is expected to disrupt RNA splicing. Variants that disrupt the donor or acceptor splice site typically lead to a loss of protein function (PMID: 16199547), and loss-of-function variants in AP3B1 are known to be pathogenic (PMID: 16507770, 23403622).

Literature cited by the submitters: PubMed 16199547; PubMed 16507770; PubMed 23403622.

NM_003664.5(AP3B1):c.786+1G>A

Gene: AP3B1 (adaptor related protein complex 3 subunit beta 1; minus strand). Cytogenetic location: 5q14.1.
Variant type: single nucleotide variant.
Coding change: c.786+1G>A on transcript NM_003664.5 (MANE Select); the canonical splice donor site of the intron after coding-DNA position 786, G replaced by A.
Molecular consequence: splice donor variant.
Genome position (GRCh38, 1-based): chr5:78,216,054, C>T on the plus strand (G>A on the coding strand, the complement: AP3B1 is on the minus strand). VCF-style: chr5-78216054-C-T. GRCh37 (hg19) VCF-style: chr5-77511878-C-T.
Other names: c.639+1G>A (NM_001271769.2); c.786+1G>A (NM_001410752.1).
Identifiers: ClinVar variation 2801712 (VCV002801712.3), dbSNP rs1274082365, ClinGen allele CA360190698.